The following is an entry in ClinVar:

ClinVar aggregate classification (germline): Uncertain significance. Review status: criteria provided, multiple submitters, no conflicts (2 of 4 stars). 3 submissions from 3 submitters: Uncertain significance (3). Last evaluated 2024-12-24.

Conditions:
Familial amyloid polyneuropathy, Iowa type (AMYLD3). Also called: Familial amyloid polyneuropathy type III; AMYLOIDOSIS, HEREDITARY SYSTEMIC 3; AMYLOIDOSIS, IOWA TYPE; AMYLOIDOSIS, VAN ALLEN TYPE; AMYLOIDOSIS, TYPE III; AMYLOIDOSIS, TYPE IV. Identifiers: MedGen C4551500, MONDO:0971008, OMIM 620657.
Hypoalphalipoproteinemia, primary, 2, intermediate. Also called: HYPOALPHALIPOPROTEINEMIA, PRIMARY, 2, AUTOSOMAL DOMINANT. Identifiers: MedGen C5677030, MONDO:0859238, OMIM 619836.
Hypoalphalipoproteinemia, primary, 2. Also called: HIGH DENSITY LIPOPROTEIN DEFICIENCY; HYPOALPHALIPOPROTEINEMIA, PRIMARY, 2, AUTOSOMAL RECESSIVE. Identifiers: MedGen C5551172, MONDO:0032766, OMIM 618463.

Submissions (3):

Labcorp Genetics (formerly Invitae), Labcorp
Classification: Uncertain significance. Last evaluated: 2024-12-24. Review status: criteria provided, single submitter. Criteria: Invitae Variant Classification Sherloc (09022015). Collection method: clinical testing. Allele origin: germline.
Comment: This variant, c.794_796dup, results in the insertion of 1 amino acid(s) of the APOA1 protein (p.Asn265dup), but otherwise preserves the integrity of the reading frame. This variant is present in population databases (rs747014491, gnomAD 0.01%). This variant has not been reported in the literature in individuals affected with APOA1-related conditions. ClinVar contains an entry for this variant (Variation ID: 1371350). Experimental studies and prediction algorithms are not available or were not evaluated, and the functional significance of this variant is currently unknown. Algorithms developed to predict the effect of sequence changes on RNA splicing suggest that this variant may create or strengthen a splice site. In summary, the available evidence is currently insufficient to determine the role of this variant in disease. Therefore, it has been classified as a Variant of Uncertain Significance.

GeneDx
Classification: Uncertain significance. Last evaluated: 2024-03-19. Review status: criteria provided, single submitter. Criteria: GeneDx Variant Classification Process June 2021. Collection method: clinical testing. Allele origin: germline. Affected: yes.
Comment: Has not been previously published as pathogenic or benign to our knowledge; In-frame insertion of 1 amino acids in a non-repeat region

Fulgent Genetics
Classification: Uncertain significance for Hypoalphalipoproteinemia, primary, 2; Hypoalphalipoproteinemia, primary, 2, intermediate; Familial amyloid polyneuropathy, Iowa type. Last evaluated: 2024-02-06. Review status: criteria provided, single submitter. Criteria: ACMG Guidelines, 2015. Collection method: clinical testing. Allele origin: germline.

NM_000039.3(APOA1):c.794_796dup (p.Asn265_Thr266insAsn)

Gene: APOA1 (apolipoprotein A1; minus strand). Cytogenetic location: 11q23.3.
Variant type: Duplication.
Coding change: c.794_796dup on transcript NM_000039.3 (MANE Select); coding-DNA positions 794 to 796, 3 bases duplicated (ACA; older notation c.794_796dupACA).
Protein change: p.Asn265_Thr266insAsn.
Molecular consequence: inframe insertion. On other transcripts: inframe indel (1).
Genome position (GRCh38, 1-based): chr11:116,835,816-116,835,818, TGT duplicated on the plus strand (ACA on the coding strand, the reverse complement: APOA1 is on the minus strand); duplicating any 3 consecutive bases within chr11:116,835,816-116,835,820 gives the same sequence; the c. name uses the placement nearest the transcript's 3' end. VCF-style (leftmost placement, unchanged base first): chr11-116835815-G-GTGT. GRCh37 (hg19) VCF-style: chr11-116706531-G-GTGT.
Other names: c.794_796dup, p.Asn265_Thr266insAsn (NM_001318017.2, NM_001318018.2); c.465_467dup, p.Asn156_Thr157insAsn (NM_001318021.2); c.794_796dup (NM_000039.1).
Identifiers: ClinVar variation 1371350 (VCV001371350.10), dbSNP rs747014491, ClinGen allele CA6289743.